The following is an entry in ClinVar:

ClinVar aggregate classification (germline): Benign. Review status: criteria provided, single submitter (1 of 4 stars). 2 submissions from 2 submitters: Benign (1). 1 of the submissions does not count toward it. Last evaluated 2025-09-02.

Conditions:
NTRK2-related disorder. Also called: NTRK2-related condition.

Allele frequency attached by ClinVar (database versions not stated): 1000 Genomes Project 30x 0.00047.
gnomAD v4.1: 105 of 1,614,024 alleles (0.0065%); highest among the groups gnomAD compares: South Asian, 0.11%; 2 homozygotes.

Submissions (2):

Labcorp Genetics (formerly Invitae), Labcorp
Classification: Benign. Last evaluated: 2025-09-02. Review status: criteria provided, single submitter. Criteria: Invitae Variant Classification Sherloc (09022015). Collection method: clinical testing. Allele origin: germline.

PreventionGenetics, part of Exact Sciences
Classification: Likely benign for NTRK2-related condition. Last evaluated: 2023-10-13. Review status: no assertion criteria provided. Collection method: clinical testing. Allele origin: germline. Not counted in ClinVar's aggregate classification.
Comment: This variant is classified as likely benign based on ACMG/AMP sequence variant interpretation guidelines (Richards et al. 2015 PMID: 25741868, with internal and published modifications).

NM_006180.6(NTRK2):c.1765-4C>A

Gene: NTRK2 (neurotrophic receptor tyrosine kinase 2; plus strand). Cytogenetic location: 9q21.33.
Variant type: single nucleotide variant.
Coding change: c.1765-4C>A on transcript NM_006180.6 (MANE Select); 4 bases into the intron before coding-DNA position 1765, C replaced by A.
Molecular consequence: intron variant.
Genome position (GRCh38, 1-based): chr9:84,948,458, C>A. VCF-style: chr9-84948458-C-A. GRCh37 (hg19) VCF-style: chr9-87563373-C-A.
Other names: c.1765-4C>A (NM_006180.4); c.1717-4C>A (NM_001369532.1, NM_001369533.1, NM_001018064.3); c.1681-4C>A (NM_001369534.1); c.1297-4C>A (NM_001369536.1); c.1249-4C>A (NM_001369535.1).
Identifiers: ClinVar variation 1583022 (VCV001583022.10), dbSNP rs200663989, ClinGen allele CA5105845.